The following is an entry in ClinVar:

NM_025099.6(CTC1):c.3515-3C>G

Gene: CTC1 (CST telomere replication complex component 1; minus strand). Cytogenetic location: 17p13.1.
Variant type: single nucleotide variant.
Coding change: c.3515-3C>G on transcript NM_025099.6 (MANE Select); 3 bases into the intron before coding-DNA position 3515, C replaced by G.
Molecular consequence: intron variant.
Genome position (GRCh38, 1-based): chr17:8,228,322, G>C on the plus strand (C>G on the coding strand, the complement: CTC1 is on the minus strand). VCF-style: chr17-8228322-G-C. GRCh37 (hg19) VCF-style: chr17-8131640-G-C.
Other names: c.3284-3C>G (NM_001411067.1).
Identifiers: ClinVar variation 3705490 (VCV003705490.1).
Genomic context (GRCh38, chr17:8,228,322, plus strand): 5'-TTCACGTGAGTCAGGAAAGGGAGCTCTCCACACTGGAATCGCTGTAGCCGAGGAGGTTCT[G>C]AGGTGGGAAGAGAGGAAAAACACACGTCTCAGGCATGTGGCTTTTAGTTCCCACCCACCA-3'

ClinVar aggregate classification (germline): Uncertain significance (1 of 4 stars; one submission).

Conditions:
Dyskeratosis congenita. Identifiers: Orphanet 1775, MedGen C0265965, MONDO:0015780.

Submission:

Labcorp Genetics (formerly Invitae), Labcorp
Classification: Uncertain significance for Dyskeratosis congenita. Last evaluated: 2024-07-31. Review status: criteria provided, single submitter. Criteria: Invitae Variant Classification Sherloc (09022015). Collection method: clinical testing. Allele origin: germline.
Comment: This sequence change falls in intron 22 of the CTC1 gene. It does not directly change the encoded amino acid sequence of the CTC1 protein. It affects a nucleotide within the consensus splice site. This variant is present in population databases (rs776835897, gnomAD 0.003%). This variant has not been reported in the literature in individuals affected with CTC1-related conditions. Variants that disrupt the consensus splice site are a relatively common cause of aberrant splicing (PMID: 17576681, 9536098). Algorithms developed to predict the effect of sequence changes on RNA splicing suggest that this variant may disrupt the consensus splice site. In summary, the available evidence is currently insufficient to determine the role of this variant in disease. Therefore, it has been classified as a Variant of Uncertain Significance.

Literature cited by the submitters: PubMed 17576681; PubMed 9536098.